The following is an entry in ClinVar:

NM_000049.4(ASPA):c.308_309del (p.Lys103fs)

Genes: ASPA (aspartoacylase; plus strand), SPATA22 (spermatogenesis associated 22; minus strand). Cytogenetic location: 17p13.2.
Variant type: Deletion.
Coding change: c.308_309del on transcript NM_000049.4 (MANE Select); coding-DNA positions 308 to 309, 2 bases deleted (AA; older notation c.308_309delAA).
Protein change: p.Lys103fs; shifts the reading frame from lysine 103.
Molecular consequence: frameshift variant. On other transcripts: intron variant (2).
Genome position (GRCh38, 1-based): chr17:3,481,674-3,481,675, AA deleted; deleting any 2 consecutive bases within chr17:3,481,672-3,481,675 gives the same sequence; the c. name uses the placement nearest the transcript's 3' end. VCF-style (leftmost placement, unchanged base first): chr17-3481671-CAA-C. GRCh37 (hg19) VCF-style: chr17-3384965-CAA-C.
Other names: c.308_309del, p.Lys103fs (NM_001128085.1); c.-73-12275_-73-12274del (NM_001321336.2, NM_001321337.2); c.308_309delAA (NM_000049.2); short protein forms K103fs.
Identifiers: ClinVar variation 3581850 (VCV003581850.1).

ClinVar aggregate classification (germline): Likely pathogenic. Review status: criteria provided, multiple submitters, no conflicts (2 of 4 stars). 2 submissions from 2 submitters: Likely pathogenic (2). Last evaluated 2025-06-24.

Conditions:
Spongy degeneration of central nervous system. Also called: ACY2 DEFICIENCY; AMINOACYLASE 2 DEFICIENCY; ASP DEFICIENCY; ASPA DEFICIENCY; ASPARTOACYLASE DEFICIENCY; CANAVAN-VAN BOGAERT-BERTRAND DISEASE. Identifiers: Orphanet 141, MedGen C0206307, MONDO:0010079, OMIM 271900.

Submissions (2):

Natera, Inc.
Classification: Likely pathogenic for Canavan Disease. Last evaluated: 2025-06-24. Review status: criteria provided, single submitter. Criteria: Natera Variant Classification Schema (03/2026). Collection method: clinical testing. Allele origin: germline.
Comment: The c.308_309delAA variant in ASPA is a frameshift variant predicted to shift the reading frame beginning at codon 103 and leads to a stop codon 3 codons downstream. This variant is expected to result in nonsense mediated decay, truncation, or a dysfunctional protein product. This variant is rare in the general population with a frequency below the threshold expected for the associated phenotype(s). Given the available evidence, this variant is classified as Likely Pathogenic.

Fulgent Genetics
Classification: Likely pathogenic for Spongy degeneration of central nervous system. Last evaluated: 2024-03-14. Review status: criteria provided, single submitter. Criteria: ACMG Guidelines, 2015. Collection method: clinical testing. Allele origin: germline.